The following is an entry in ClinVar:

NM_002693.3(POLG):c.107G>C (p.Ser36Thr)

Genes: POLG (DNA polymerase gamma, catalytic subunit; minus strand), POLGARF (POLG alternative reading frame; minus strand). Cytogenetic location: 15q26.1.
Variant type: single nucleotide variant.
Coding change: c.107G>C on transcript NM_002693.3 (MANE Select); coding-DNA position 107, G replaced by C.
Protein change: p.Ser36Thr; replaces serine 36 with threonine.
Molecular consequence: missense variant.
Genome position (GRCh38, 1-based): chr15:89,333,648, C>G on the plus strand (G>C on the coding strand, the complement: POLG is on the minus strand). VCF-style: chr15-89333648-C-G. GRCh37 (hg19) VCF-style: chr15-89876879-C-G.
Other names: c.107G>C, p.Ser36Thr (NM_001126131.2); short protein forms S36T.
Identifiers: ClinVar variation 1936324 (VCV001936324.4), dbSNP rs2055629992, ClinGen allele CA393774751.

ClinVar aggregate classification (germline): Uncertain significance. Review status: criteria provided, multiple submitters, no conflicts (2 of 4 stars). 2 submissions from 2 submitters: Uncertain significance (2). Last evaluated 2023-06-07.

Conditions:
Progressive sclerosing poliodystrophy (MTDPS4A). Also called: ALPERS PROGRESSIVE INFANTILE POLIODYSTROPHY; NEURONAL DEGENERATION OF CHILDHOOD WITH LIVER DISEASE, PROGRESSIVE; Alpers Syndrome; ALPERS DIFFUSE DEGENERATION OF CEREBRAL GRAY MATTER WITH HEPATIC CIRRHOSIS; Alpers-Huttenlocher Syndrome; Mitochondrial DNA depletion syndrome 4A (Alpers type). Identifiers: Orphanet 726, MedGen C0205710, MONDO:0008758, OMIM 203700.

Allele frequency attached by ClinVar (database versions not stated): TOPMed below 0.00001.

Submissions (2):

GeneDx
Classification: Uncertain significance. Last evaluated: 2023-06-07. Review status: criteria provided, single submitter. Criteria: GeneDx Variant Classification Process June 2021. Collection method: clinical testing. Allele origin: germline.
Comment: Not observed at significant frequency in large population cohorts (gnomAD); In silico analysis supports that this missense variant does not alter protein structure/function; Has not been previously published as pathogenic or benign to our knowledge

Labcorp Genetics (formerly Invitae), Labcorp
Classification: Uncertain significance for Progressive sclerosing poliodystrophy. Last evaluated: 2022-09-15. Review status: criteria provided, single submitter. Criteria: Invitae Variant Classification Sherloc (09022015). Collection method: clinical testing. Allele origin: germline.
Comment: This sequence change replaces serine, which is neutral and polar, with threonine, which is neutral and polar, at codon 36 of the POLG protein (p.Ser36Thr). This variant is not present in population databases (gnomAD no frequency). This variant has not been reported in the literature in individuals affected with POLG-related conditions. Advanced modeling of protein sequence and biophysical properties (such as structural, functional, and spatial information, amino acid conservation, physicochemical variation, residue mobility, and thermodynamic stability) performed at Invitae indicates that this missense variant is not expected to disrupt POLG protein function. In summary, the available evidence is currently insufficient to determine the role of this variant in disease. Therefore, it has been classified as a Variant of Uncertain Significance.